The following is an entry in ClinVar:

ClinVar aggregate classification (germline): Conflicting classifications of pathogenicity. Review status: criteria provided, conflicting classifications (1 of 4 stars). 3 submissions from 3 submitters: Pathogenic (1); Uncertain significance (1). 1 of the submissions does not count toward it. Last evaluated 2025-01-06.

Conditions:
Familial thoracic aortic aneurysm and aortic dissection (TAAD). Also called: Thoracic aortic aneurysms and dissections. Identifiers: Orphanet 91387, MedGen C4707243, MONDO:0019625.
Marfan syndrome (MFS). Also called: MARFAN SYNDROME, TYPE I; Marfan syndrome type 1; Marfan's syndrome; Marfan syndrome, classic; FBN1-Related Marfan Syndrome. Identifiers: Orphanet 284963, Orphanet 558, MedGen C0024796, MONDO:0007947, OMIM 154700.
EBV-positive nodal T- and NK-cell lymphoma.

Allele frequency attached by ClinVar (database versions not stated): gnomAD exomes below 0.00001; ExAC 0.00001.
gnomAD v4.1: 7 of 1,614,096 alleles (0.00043%); highest among the groups gnomAD compares: South Asian, 0.0011%; no homozygotes.

Submissions (3):

Labcorp Genetics (formerly Invitae), Labcorp
Classification: Pathogenic for Marfan syndrome; Familial thoracic aortic aneurysm and aortic dissection. Last evaluated: 2025-01-06. Review status: criteria provided, single submitter. Criteria: Invitae Variant Classification Sherloc (09022015). Collection method: clinical testing. Allele origin: germline.
Comment: This sequence change replaces arginine, which is basic and polar, with tryptophan, which is neutral and slightly polar, at codon 1727 of the FBN1 protein (p.Arg1727Trp). This variant is present in population databases (rs752450678, gnomAD 0.003%). This missense change has been observed in individual(s) with acromicric dysplasia (PMID: 35942587). It has also been observed to segregate with disease in related individuals. ClinVar contains an entry for this variant (Variation ID: 1978928). Invitae Evidence Modeling of protein sequence and biophysical properties (such as structural, functional, and spatial information, amino acid conservation, physicochemical variation, residue mobility, and thermodynamic stability) indicates that this missense variant is expected to disrupt FBN1 protein function with a positive predictive value of 95%. For these reasons, this variant has been classified as Pathogenic.

All of Us Research Program, National Institutes of Health
Classification: Uncertain significance for Marfan syndrome. Last evaluated: 2023-05-08. Review status: criteria provided, single submitter. Criteria: ACMG Guidelines, 2015. Collection method: clinical testing. Allele origin: germline. Inheritance: Autosomal dominant inheritance. Observed: 1 variant allele, 1 heterozygote.
Comment: This study involves interpretation of variants in research participants for the purpose of population health screening. Participant phenotype was not available at the time of variant classification. Additional details can be found in publication PMID: 35346344, PMCID: PMC8962531

Department of Clinical Pathology, School of Medicine, Fujita Health University
Classification: Likely benign for EBV-positive nodal T- and NK-cell lymphoma. Review status: no assertion criteria provided. Collection method: research. Allele origin: unknown. Affected: yes. Not counted in ClinVar's aggregate classification.

Literature cited by the submitters: PubMed 35942587 (cited by Labcorp Genetics (formerly Invitae), Labcorp).

NM_000138.5(FBN1):c.5179C>T (p.Arg1727Trp)

Gene: FBN1 (fibrillin 1; minus strand). Cytogenetic location: 15q21.1.
Variant type: single nucleotide variant.
Coding change: c.5179C>T on transcript NM_000138.5 (MANE Select); coding-DNA position 5179, C replaced by T.
Protein change: p.Arg1727Trp; replaces arginine 1727 with tryptophan.
Molecular consequence: missense variant.
Genome position (GRCh38, 1-based): chr15:48,463,127, G>A on the plus strand (C>T on the coding strand, the complement: FBN1 is on the minus strand). VCF-style: chr15-48463127-G-A. GRCh37 (hg19) VCF-style: chr15-48755324-G-A.
Other names: c.5179C>T, p.Arg1727Trp (NM_001406716.1); short protein forms R1727W.
Identifiers: ClinVar variation 1978928 (VCV001978928.6), dbSNP rs752450678, ClinGen allele CA054380.
Genomic context (GRCh38, chr15:48,463,127, plus strand): 5'-GAAACTAAAACTCACCTGTACTTGGGATGGGACACTGTTCACAGGGCTTGTTCCACGCCC[G>A]GCCAATGTTGTAGGAACAGCAGCACATCTTCTTGGTCATGTTGAATAACAATTCTCCATC-3'
Protein context (NP_000129.3, residues 1717-1737): KMCCCSYNIG[Arg1727Trp]AWNKPCEQCP